The following is an entry in ClinVar:

NM_004415.4(DSP):c.2878-5T>C

Gene: DSP (desmoplakin; plus strand). Cytogenetic location: 6p24.3.
Variant type: single nucleotide variant.
Coding change: c.2878-5T>C on transcript NM_004415.4 (MANE Select); 5 bases into the intron before coding-DNA position 2878, T replaced by C.
Molecular consequence: intron variant.
Genome position (GRCh38, 1-based): chr6:7,577,774, T>C. VCF-style: chr6-7577774-T-C. GRCh37 (hg19) VCF-style: chr6-7578007-T-C.
Other names: c.2878-5T>C (NM_001319034.2, NM_001008844.3).
Identifiers: ClinVar variation 3386651 (VCV003386651.3).

ClinVar aggregate classification (germline): Likely benign. Review status: criteria provided, multiple submitters, no conflicts (2 of 4 stars). 3 submissions from 3 submitters: Likely benign (3). Last evaluated 2025-04-11.

Conditions:
Cardiomyopathy (CMYO). Also called: Cardiomyopathies. Identifiers: Orphanet 167848, MedGen C0878544, MONDO:0004994, HP:0001638. Inheritance: Various modes of inheritance.
Arrhythmogenic right ventricular dysplasia 8 (ARVD8). Also called: ARRHYTHMOGENIC RIGHT VENTRICULAR DYSPLASIA, FAMILIAL, 8; Arrhythmogenic Right Ventricular Dysplasia/Cardiomyopathy 8; ARRHYTHMOGENIC RIGHT VENTRICULAR CARDIOMYOPATHY 8. Identifiers: MedGen C1843896, MONDO:0011831, OMIM 607450.
Arrhythmogenic cardiomyopathy with wooly hair and keratoderma. Also called: Carvajal syndrome; PALMOPLANTAR KERATODERMA WITH LEFT VENTRICULAR CARDIOMYOPATHY AND WOOLLY HAIR; Dilated cardiomyopathy with woolly hair and keratoderma; Arrhythmogenic cardiomyopathy with woolly hair and keratoderma. Identifiers: Orphanet 65282, MedGen C1854063, MONDO:0011581, OMIM 605676.

gnomAD v4.1: 1 of 1,611,746 alleles (0.000062%); highest among the groups gnomAD compares: Non-Finnish European, 0.000085%; no homozygotes.

Submissions (3):

Labcorp Genetics (formerly Invitae), Labcorp
Classification: Likely benign for Arrhythmogenic cardiomyopathy with wooly hair and keratoderma; Arrhythmogenic right ventricular dysplasia 8. Last evaluated: 2025-04-11. Review status: criteria provided, single submitter. Criteria: Invitae Variant Classification Sherloc (09022015). Collection method: clinical testing. Allele origin: germline.

All of Us Research Program, National Institutes of Health
Classification: Likely benign for Arrhythmogenic cardiomyopathy with wooly hair and keratoderma. Last evaluated: 2024-07-10. Review status: criteria provided, single submitter. Criteria: ACMG Guidelines, 2015. Collection method: clinical testing. Allele origin: germline. Inheritance: Autosomal dominant inheritance. Observed: 1 variant allele, 1 heterozygote.
Comment: This study involves interpretation of variants in research participants for the purpose of population health screening. Participant phenotype was not available at the time of variant classification. Additional details can be found in publication PMID: 35346344, PMCID: PMC8962531

Color Diagnostics, LLC DBA Color Health
Classification: Likely benign for Cardiomyopathy. Last evaluated: 2024-06-12. Review status: criteria provided, single submitter. Criteria: ACMG Guidelines, 2015. Collection method: clinical testing. Allele origin: germline.